The following is an entry in ClinVar:

NM_030662.4(MAP2K2):c.1180A>T (p.Thr394Ser)

Gene: MAP2K2 (mitogen-activated protein kinase kinase 2; minus strand). Cytogenetic location: 19p13.3.
Variant type: single nucleotide variant.
Coding change: c.1180A>T on transcript NM_030662.4 (MANE Select); coding-DNA position 1180, A replaced by T.
Protein change: p.Thr394Ser; replaces threonine 394 with serine.
Molecular consequence: missense variant.
Genome position (GRCh38, 1-based): chr19:4,090,621, T>A on the plus strand (A>T on the coding strand, the complement: MAP2K2 is on the minus strand). VCF-style: chr19-4090621-T-A. GRCh37 (hg19) VCF-style: chr19-4090619-T-A.
Other names: p.T394S:ACA>TCA; short protein forms T394S.
Identifiers: ClinVar variation 180909 (VCV000180909.9), dbSNP rs730880515, ClinGen allele CA296160.
Genomic context (GRCh38, chr19:4,090,621, plus strand): 5'-GCAGGTCACCAGCGGGACGCAGGGAGCCCGGCCACTGTCACACGGCGGTGCGCGTGGGTG[T>A]GCCGGGCTGGTTCAGCCGCAGGGTTTTACACAACCAGCCGGCAAAATCCACTTCTTCCAC-3'
Protein context (NP_109587.1, residues 384-400): CKTLRLNQPG[Thr394Ser]PTRTAV

ClinVar aggregate classification (germline): Uncertain significance. Review status: criteria provided, multiple submitters, no conflicts (2 of 4 stars). 4 submissions from 4 submitters: Uncertain significance (4). Last evaluated 2025-12-17.

Conditions:
MAP2K2-related disorder. Also called: MAP2K2-related condition.
Cardiovascular phenotype. Identifiers: MedGen CN230736.
RASopathy. Also called: Noonan spectrum disorder; rasopathies. Identifiers: Orphanet 536391, MedGen C5555857, MONDO:0021060.

Allele frequency attached by ClinVar (database versions not stated): gnomAD 0.00001; TOPMed 0.00001.
gnomAD v4.1: 2 of 1,552,570 alleles (0.00013%); no homozygotes.

Submissions (4):

Ambry Genetics
Classification: Uncertain significance for Cardiovascular phenotype. Last evaluated: 2025-12-17. Review status: criteria provided, single submitter. Criteria: Ambry Variant Classification Scheme 2023. Collection method: clinical testing. Allele origin: germline.

Labcorp Genetics (formerly Invitae), Labcorp
Classification: Uncertain significance for RASopathy. Last evaluated: 2025-04-27. Review status: criteria provided, single submitter. Criteria: Invitae Variant Classification Sherloc (09022015). Collection method: clinical testing. Allele origin: germline.
Comment: This sequence change replaces threonine, which is neutral and polar, with serine, which is neutral and polar, at codon 394 of the MAP2K2 protein (p.Thr394Ser). This variant is not present in population databases (gnomAD no frequency). This variant has not been reported in the literature in individuals affected with MAP2K2-related conditions. ClinVar contains an entry for this variant (Variation ID: 180909). Invitae Evidence Modeling of protein sequence and biophysical properties (such as structural, functional, and spatial information, amino acid conservation, physicochemical variation, residue mobility, and thermodynamic stability) indicates that this missense variant is not expected to disrupt MAP2K2 protein function with a negative predictive value of 95%. In summary, the available evidence is currently insufficient to determine the role of this variant in disease. Therefore, it has been classified as a Variant of Uncertain Significance.

PreventionGenetics, part of Exact Sciences
Classification: Uncertain significance for MAP2K2-related condition. Last evaluated: 2024-11-25. Review status: criteria provided, single submitter. Criteria: ACMG Guidelines, 2015. Collection method: clinical testing. Allele origin: germline.
Comment: The MAP2K2 c.1180A>T variant is predicted to result in the amino acid substitution p.Thr394Ser. To our knowledge, this variant has not been reported in the literature or in a large population database (gnomAD), indicating this variant is rare. At this time, the clinical significance of this variant is uncertain due to the absence of conclusive functional and genetic evidence.

GeneDx
Classification: Uncertain significance. Last evaluated: 2019-09-10. Review status: criteria provided, single submitter. Criteria: GeneDx Variant Classification Process June 2021. Collection method: clinical testing. Allele origin: germline. Affected: yes.
Comment: Not observed in large population cohorts (Lek et al., 2016); In silico analysis, which includes protein predictors and evolutionary conservation, supports that this variant does not alter protein structure/function; This variant is associated with the following publications: (PMID: 26395338)